The following is an entry in ClinVar:

ClinVar aggregate classification (germline): Uncertain significance (1 of 4 stars; one submission).

Allele frequency attached by ClinVar (database versions not stated): gnomAD exomes below 0.00001; TOPMed below 0.00001; gnomAD 0.00001.
gnomAD v4.1: 3 of 1,582,030 alleles (0.00019%); highest among the groups gnomAD compares: Non-Finnish European, 0.00026%; no homozygotes.

Submission:

GeneDx
Classification: Uncertain significance. Last evaluated: 2022-04-27. Review status: criteria provided, single submitter. Criteria: GeneDx Variant Classification Process June 2021. Collection method: clinical testing. Allele origin: germline. Affected: yes.
Comment: In silico analysis supports that this variant does not alter splicing; Has not been previously published as pathogenic or benign to our knowledge

NM_006914.4(RORB):c.1000+5G>A

Gene: RORB (RAR related orphan receptor B; plus strand). Cytogenetic location: 9q21.13.
Variant type: single nucleotide variant.
Coding change: c.1000+5G>A on transcript NM_006914.4 (MANE Select); 5 bases into the intron after coding-DNA position 1000, G replaced by A.
Molecular consequence: intron variant.
Genome position (GRCh38, 1-based): chr9:74,665,600, G>A. VCF-style: chr9-74665600-G-A. GRCh37 (hg19) VCF-style: chr9-77280516-G-A.
Other names: c.1033+5G>A (NM_001365023.1).
Identifiers: ClinVar variation 1712605 (VCV001712605.2), dbSNP rs1319284470, ClinGen allele CA588563821.
Genomic context (GRCh38, chr9:74,665,600, plus strand): 5'-CAACACTGTTCTGTTTGAAGGAAAATATGGAGGAATGCAAATGTTCAAAGCCTTAGGTAA[G>A]TTTCCCTTTGATGAGGACACAATTTTATTAGCCACCATCAGTTTCTCCACTTAGATTGAA-3'